The following is an entry in ClinVar:

ClinVar aggregate classification (germline): Uncertain significance (1 of 4 stars; one submission).

Conditions:
Neurodevelopmental disorder with hypotonia and variable intellectual and behavioral abnormalities. Identifiers: MedGen C5231423, MONDO:0032829, OMIM 618603.

Submission:

3billion
Classification: Uncertain significance for Neurodevelopmental disorder with hypotonia and variable intellectual and behavioral abnormalities. Last evaluated: 2021-10-25. Review status: criteria provided, single submitter. Criteria: ACMG Guidelines, 2015. Collection method: clinical testing. Allele origin: unknown. Affected: yes. Observed: 1 heterozygote.
Comment: This variant is not observed in the gnomAD v2.1.1 dataset (PM2). In silico tool predictions suggest damaging effect of the variant on gene or gene product (3Cnet: 0.983, PP3). Therefore, this variant is classified as uncertain significance according to the recommendation of ACMG/AMP guideline.

NM_000937.5(POLR2A):c.1832A>T (p.Asp611Val)

Gene: POLR2A (RNA polymerase II subunit A; plus strand). Cytogenetic location: 17p13.1.
Variant type: single nucleotide variant.
Coding change: c.1832A>T on transcript NM_000937.5 (MANE Select); coding-DNA position 1832, A replaced by T.
Protein change: p.Asp611Val; replaces aspartic acid 611 with valine.
Molecular consequence: missense variant.
Genome position (GRCh38, 1-based): chr17:7,500,799, A>T. VCF-style: chr17-7500799-A-T. GRCh37 (hg19) VCF-style: chr17-7404118-A-T.
Other names: short protein forms D611V.
Identifiers: ClinVar variation 1321262 (VCV001321262.1), dbSNP rs2150882373, ClinGen allele CA397881887.